The following is an entry in ClinVar:

NM_001375765.1(GIGYF1):c.666C>T (p.Asp222=)

Gene: GIGYF1 (GRB10 interacting GYF protein 1; minus strand). Cytogenetic location: 7q22.1.
Variant type: single nucleotide variant.
Coding change: c.666C>T on transcript NM_001375765.1 (MANE Select); coding-DNA position 666, C replaced by T.
Protein change: p.Asp222=; no amino-acid change (aspartic acid 222 retained).
Molecular consequence: synonymous variant. On other transcripts: non-coding transcript variant (1).
Genome position (GRCh38, 1-based): chr7:100,686,677, G>A on the plus strand (C>T on the coding strand, the complement: GIGYF1 is on the minus strand). VCF-style: chr7-100686677-G-A. GRCh37 (hg19) VCF-style: chr7-100284300-G-A.
Other names: c.666C>T, p.Asp222= (NM_001375759.1, NM_001375760.1, NM_001375761.1 and 6 more transcripts).
Identifiers: ClinVar variation 4084152 (VCV004084152.8).

ClinVar aggregate classification (germline): Likely benign (1 of 4 stars; one submission).

gnomAD v4.1: 34 of 1,612,742 alleles (0.0021%); highest among the groups gnomAD compares: South Asian, 0.016%; 1 homozygote.

Submission:

CeGaT Center for Human Genetics Tuebingen
Classification: Likely benign. Last evaluated: 2026-08-01. Review status: criteria provided, single submitter. Criteria: CeGaT Center For Human Genetics Tuebingen Variant Classification Criteria Version 2. Collection method: clinical testing. Allele origin: germline. Affected: yes. Observed: 2 variant alleles.
Comment: GIGYF1: BP4, BP7